The following is an entry in ClinVar:

ClinVar aggregate classification (germline): Uncertain significance (1 of 4 stars; one submission).

Conditions:
Mucopolysaccharidosis, MPS-II (MPS2). Also called: Attenuated MPS (subtype; formerly known as mild MPS II); Severe MPS II; I2S deficiency; MPS 2; Hunter Syndrome; IDS deficiency. Identifiers: Orphanet 580, Orphanet 79388, MedGen C0026705, MONDO:0010674, OMIM 309900.

Submission:

Labcorp Genetics (formerly Invitae), Labcorp
Classification: Uncertain significance for Mucopolysaccharidosis, MPS-II. Last evaluated: 2025-09-30. Review status: criteria provided, single submitter. Criteria: Invitae Variant Classification Sherloc (09022015). Collection method: clinical testing. Allele origin: germline.
Comment: This sequence change replaces glycine, which is neutral and non-polar, with serine, which is neutral and polar, at codon 340 of the IDS protein (p.Gly340Ser). This variant is not present in population databases (gnomAD no frequency). This variant has not been reported in the literature in individuals affected with IDS-related conditions. ClinVar contains an entry for this variant (Variation ID: 2126914). Invitae Evidence Modeling of protein sequence and biophysical properties (such as structural, functional, and spatial information, amino acid conservation, physicochemical variation, residue mobility, and thermodynamic stability) indicates that this missense variant is expected to disrupt IDS protein function with a positive predictive value of 80%. This variant disrupts the p.Gly340 amino acid residue in IDS. Other variant(s) that disrupt this residue have been determined to be pathogenic (PMID: 33676511, 36907694; internal data). This suggests that this residue is clinically significant, and that variants that disrupt this residue are likely to be disease-causing. In summary, the available evidence is currently insufficient to determine the role of this variant in disease. Therefore, it has been classified as a Variant of Uncertain Significance.

Literature cited by the submitters: PubMed 33676511; PubMed 36907694.

NM_000202.8(IDS):c.1018G>A (p.Gly340Ser)

Genes: IDS (iduronate 2-sulfatase; minus strand), LOC106050102 (IDS recombination region; plus strand). Cytogenetic location: Xq28.
Variant type: single nucleotide variant.
Coding change: c.1018G>A on transcript NM_000202.8 (MANE Select); coding-DNA position 1018, G replaced by A.
Protein change: p.Gly340Ser; replaces glycine 340 with serine.
Molecular consequence: missense variant.
Genome position (GRCh38, 1-based): chrX:149,487,087, C>T on the plus strand (G>A on the coding strand, the complement: IDS is on the minus strand). VCF-style: chrX-149487087-C-T. GRCh37 (hg19) VCF-style: chrX-148568618-C-T.
Other names: c.748G>A, p.Gly250Ser (NM_001166550.4); short protein forms G250S, G340S.
Identifiers: ClinVar variation 2126914 (VCV002126914.4), dbSNP rs2124006398, ClinGen allele CA414519020.